The following is an entry in ClinVar:

ClinVar aggregate classification (germline): Benign. Review status: criteria provided, multiple submitters, no conflicts (2 of 4 stars). 5 submissions from 5 submitters: Benign (5). Last evaluated 2026-02-04.

Conditions:
Xanthinuria type II. Also called: Xanthine dehydrogenase and aldehyde oxidase combined deficiency of; XDH and AOX dual deficiency. Identifiers: Orphanet 3467, Orphanet 93602, MedGen C1863688, MONDO:0011346, OMIM 603592.

Allele frequency attached by ClinVar (database versions not stated): ESP Exome Variant Server 0.03545; TOPMed 0.03991; gnomAD 0.04153 and 0.04464; gnomAD exomes 0.05153 and 0.06299; ExAC 0.06369; 1000 Genomes Project 30x 0.06480; 1000 Genomes Project 0.06569.
gnomAD v4.1: 82,060 of 1,614,110 alleles (5.1%); highest among the groups gnomAD compares: East Asian, 12%; 2,619 homozygotes.

Submissions (5):

Labcorp Genetics (formerly Invitae), Labcorp
Classification: Benign for Xanthinuria type II. Last evaluated: 2026-02-04. Review status: criteria provided, single submitter. Criteria: Invitae Variant Classification Sherloc (09022015). Collection method: clinical testing. Allele origin: germline.

Blueprint Genetics
Classification: Benign. Last evaluated: 2024-11-28. Review status: criteria provided, single submitter. Criteria: ACMG Guidelines, 2015. Collection method: clinical testing. Allele origin: germline.

Mayo Clinic Laboratories, Mayo Clinic
Classification: Benign. Last evaluated: 2023-02-13. Review status: criteria provided, single submitter. Criteria: ACMG Guidelines, 2015. Collection method: clinical testing. Allele origin: germline. Observed: 15 variant alleles.
Comment: BA1, BS2

GeneDx
Classification: Benign. Last evaluated: 2019-12-08. Review status: criteria provided, single submitter. Criteria: GeneDx Variant Classification Process June 2021. Collection method: clinical testing. Allele origin: germline. Affected: yes.
Comment: This variant is associated with the following publications: (PMID: 27703193)

Breakthrough Genomics
Classification: Benign. Review status: criteria provided, single submitter. Criteria: ACMG Guidelines, 2015. Collection method: not provided. Allele origin: germline. Inheritance: Autosomal recessive inheritance. Affected: yes.

NM_017947.4(MOCOS):c.359G>A (p.Ser120Asn)

Gene: MOCOS (molybdenum cofactor sulfurase; plus strand). Cytogenetic location: 18q12.2.
Variant type: single nucleotide variant.
Coding change: c.359G>A on transcript NM_017947.4 (MANE Select); coding-DNA position 359, G replaced by A.
Protein change: p.Ser120Asn; replaces serine 120 with asparagine.
Molecular consequence: missense variant.
Genome position (GRCh38, 1-based): chr18:36,199,742, G>A. VCF-style: chr18-36199742-G-A. GRCh37 (hg19) VCF-style: chr18-33779705-G-A.
Other names: p.Ser120Asn; short protein forms S120N.
Identifiers: ClinVar variation 1170432 (VCV001170432.15), dbSNP rs3744900, ClinGen allele CA8940413.